The following is an entry in ClinVar:

ClinVar aggregate classification (germline): Likely benign. Review status: criteria provided, multiple submitters, no conflicts (2 of 4 stars). 4 submissions from 4 submitters: Likely benign (3). 1 of the submissions does not count toward it. Last evaluated 2025-10-13.

Conditions:
CCDC88C-related disorder. Also called: CCDC88C-related condition; CCDC88C-Related Disorders.

Allele frequency attached by ClinVar (database versions not stated): gnomAD exomes 0.00002; TOPMed 0.00002; gnomAD 0.00003.

Submissions (4):

Women's Health and Genetics/Laboratory Corporation of America, LabCorp
Classification: Likely benign. Last evaluated: 2025-10-13. Review status: criteria provided, single submitter. Criteria: LabCorp Variant Classification Summary - May 2015. Collection method: clinical testing. Allele origin: germline.
Comment: Variant summary: CCDC88C c.3636-9C>T alters a non-conserved nucleotide located at a position not widely known to affect splicing. Consensus agreement among computation tools predict no significant impact on normal splicing. However, these predictions have yet to be confirmed by functional studies. The variant allele was found at a frequency of 2.6e-05 in 233418 control chromosomes. The available data on variant occurrences in the general population are insufficient to allow any conclusion about variant significance. To our knowledge, no occurrence of c.3636-9C>T in individuals affected with CCDC88C-related conditions and no experimental evidence demonstrating its impact on protein function have been reported. ClinVar contains an entry for this variant (Variation ID: 2885565). Based on the evidence outlined above, the variant was classified as likely benign.

Blueprint Genetics
Classification: Likely benign. Last evaluated: 2024-06-12. Review status: criteria provided, single submitter. Criteria: ACMG Guidelines, 2015. Collection method: clinical testing. Allele origin: germline.

Labcorp Genetics (formerly Invitae), Labcorp
Classification: Likely benign. Last evaluated: 2024-03-10. Review status: criteria provided, single submitter. Criteria: Invitae Variant Classification Sherloc (09022015). Collection method: clinical testing. Allele origin: germline.

PreventionGenetics, part of Exact Sciences
Classification: Likely benign for CCDC88C-related condition. Last evaluated: 2019-12-09. Review status: no assertion criteria provided. Collection method: clinical testing. Allele origin: germline. Not counted in ClinVar's aggregate classification.
Comment: This variant is classified as likely benign based on ACMG/AMP sequence variant interpretation guidelines (Richards et al. 2015 PMID: 25741868, with internal and published modifications).

NM_001080414.4(CCDC88C):c.3636-9C>T

Gene: CCDC88C (coiled-coil and HOOK domain protein 88C; minus strand). Cytogenetic location: 14q32.11.
Variant type: single nucleotide variant.
Coding change: c.3636-9C>T on transcript NM_001080414.4 (MANE Select); 9 bases into the intron before coding-DNA position 3636, C replaced by T.
Molecular consequence: intron variant.
Genome position (GRCh38, 1-based): chr14:91,300,079, G>A on the plus strand (C>T on the coding strand, the complement: CCDC88C is on the minus strand). VCF-style: chr14-91300079-G-A. GRCh37 (hg19) VCF-style: chr14-91766423-G-A.
Other names: c.3636-9C>T (NM_001080414.3).
Identifiers: ClinVar variation 2885565 (VCV002885565.7), dbSNP rs976005356, ClinGen allele CA265552292.